The following is an entry in ClinVar:

NM_000147.5(FUCA1):c.360G>T (p.Trp120Cys)

Gene: FUCA1 (alpha-L-fucosidase 1; minus strand). Cytogenetic location: 1p36.11.
Variant type: single nucleotide variant.
Coding change: c.360G>T on transcript NM_000147.5 (MANE Select); coding-DNA position 360, G replaced by T.
Protein change: p.Trp120Cys; replaces tryptophan 120 with cysteine.
Molecular consequence: missense variant.
Genome position (GRCh38, 1-based): chr1:23,867,927, C>A on the plus strand (G>T on the coding strand, the complement: FUCA1 is on the minus strand). VCF-style: chr1-23867927-C-A. GRCh37 (hg19) VCF-style: chr1-24194417-C-A.
Other names: short protein forms W120C.
Identifiers: ClinVar variation 1387076 (VCV001387076.7), dbSNP rs758745364, ClinGen allele CA339008700.

ClinVar aggregate classification (germline): Uncertain significance (1 of 4 stars; one submission).

Conditions:
Fucosidosis. Also called: ALPHA-L-FUCOSIDASE DEFICIENCY. Identifiers: Orphanet 349, MedGen C0016788, MONDO:0009254, OMIM 230000.

Submission:

Labcorp Genetics (formerly Invitae), Labcorp
Classification: Uncertain significance for Fucosidosis. Last evaluated: 2025-10-06. Review status: criteria provided, single submitter. Criteria: Invitae Variant Classification Sherloc (09022015). Collection method: clinical testing. Allele origin: germline.
Comment: This sequence change replaces tryptophan, which is neutral and slightly polar, with cysteine, which is neutral and slightly polar, at codon 120 of the FUCA1 protein (p.Trp120Cys). This variant is not present in population databases (gnomAD no frequency). This variant has not been reported in the literature in individuals affected with FUCA1-related conditions. ClinVar contains an entry for this variant (Variation ID: 1387076). Invitae Evidence Modeling of protein sequence and biophysical properties (such as structural, functional, and spatial information, amino acid conservation, physicochemical variation, residue mobility, and thermodynamic stability) indicates that this missense variant is expected to disrupt FUCA1 protein function with a positive predictive value of 95%. In summary, the available evidence is currently insufficient to determine the role of this variant in disease. Therefore, it has been classified as a Variant of Uncertain Significance.